The following is an entry in ClinVar:

NM_000260.4(MYO7A):c.2995T>G (p.Tyr999Asp)

Gene: MYO7A (myosin VIIA; plus strand). Cytogenetic location: 11q13.5.
Variant type: single nucleotide variant.
Coding change: c.2995T>G on transcript NM_000260.4 (MANE Select); coding-DNA position 2995, T replaced by G.
Protein change: p.Tyr999Asp; replaces tyrosine 999 with aspartic acid.
Molecular consequence: missense variant.
Genome position (GRCh38, 1-based): chr11:77,182,041, T>G. VCF-style: chr11-77182041-T-G. GRCh37 (hg19) VCF-style: chr11-76893087-T-G.
Other names: c.2995T>G, p.Tyr999Asp (NM_001127180.2); c.2962T>G, p.Tyr988Asp (NM_001369365.1); c.2995T>G (NM_000260.3); short protein forms Y988D, Y999D.
Identifiers: ClinVar variation 3634263 (VCV003634263.3).

ClinVar aggregate classification (germline): Uncertain significance. Review status: criteria provided, multiple submitters, no conflicts (2 of 4 stars). 2 submissions from 2 submitters: Uncertain significance (2). Last evaluated 2026-02-17.

Conditions:
Inborn genetic diseases. Identifiers: MedGen C0950123, MeSH D030342.

Submissions (2):

Ambry Genetics
Classification: Uncertain significance for Inborn genetic diseases. Last evaluated: 2026-02-17. Review status: criteria provided, single submitter. Criteria: Ambry Variant Classification Scheme 2023. Collection method: clinical testing. Allele origin: germline.

Labcorp Genetics (formerly Invitae), Labcorp
Classification: Uncertain significance. Last evaluated: 2024-08-11. Review status: criteria provided, single submitter. Criteria: Invitae Variant Classification Sherloc (09022015). Collection method: clinical testing. Allele origin: germline.
Comment: This sequence change replaces tyrosine, which is neutral and polar, with aspartic acid, which is acidic and polar, at codon 999 of the MYO7A protein (p.Tyr999Asp). This variant is not present in population databases (gnomAD no frequency). This variant has not been reported in the literature in individuals affected with MYO7A-related conditions. Advanced modeling of protein sequence and biophysical properties (such as structural, functional, and spatial information, amino acid conservation, physicochemical variation, residue mobility, and thermodynamic stability) performed at Invitae indicates that this missense variant is expected to disrupt MYO7A protein function with a positive predictive value of 95%. In summary, the available evidence is currently insufficient to determine the role of this variant in disease. Therefore, it has been classified as a Variant of Uncertain Significance.